The following is an entry in ClinVar:

NM_014484.5(MOCS3):c.217G>C (p.Gly73Arg)

Gene: MOCS3 (molybdenum cofactor synthesis 3; plus strand). Cytogenetic location: 20q13.13.
Variant type: single nucleotide variant.
Coding change: c.217G>C on transcript NM_014484.5 (MANE Select); coding-DNA position 217, G replaced by C.
Protein change: p.Gly73Arg; replaces glycine 73 with arginine.
Molecular consequence: missense variant.
Genome position (GRCh38, 1-based): chr20:50,959,059, G>C. VCF-style: chr20-50959059-G-C. GRCh37 (hg19) VCF-style: chr20-49575596-G-C.
Other names: short protein forms G73R.
Identifiers: ClinVar variation 1446090 (VCV001446090.8), dbSNP rs2123158419, ClinGen allele CA408982270.

ClinVar aggregate classification (germline): Uncertain significance (1 of 4 stars; one submission).

Submission:

Labcorp Genetics (formerly Invitae), Labcorp
Classification: Uncertain significance. Last evaluated: 2023-12-07. Review status: criteria provided, single submitter. Criteria: Invitae Variant Classification Sherloc (09022015). Collection method: clinical testing. Allele origin: germline.
Comment: This sequence change replaces glycine, which is neutral and non-polar, with arginine, which is basic and polar, at codon 73 of the MOCS3 protein (p.Gly73Arg). This variant is not present in population databases (gnomAD no frequency). This variant has not been reported in the literature in individuals affected with MOCS3-related conditions. ClinVar contains an entry for this variant (Variation ID: 1446090). An algorithm developed to predict the effect of missense changes on protein structure and function (PolyPhen-2) suggests that this variant is likely to be disruptive. In summary, the available evidence is currently insufficient to determine the role of this variant in disease. Therefore, it has been classified as a Variant of Uncertain Significance.